The following is an entry in ClinVar:

ClinVar aggregate classification (germline): Likely pathogenic (1 of 4 stars; one submission).

Submission:

Labcorp Genetics (formerly Invitae), Labcorp
Classification: Likely pathogenic. Last evaluated: 2019-05-13. Review status: criteria provided, single submitter. Criteria: Invitae Variant Classification Sherloc (09022015). Collection method: clinical testing. Allele origin: germline.
Comment: In summary, the currently available evidence indicates that the variant is pathogenic, but additional data are needed to prove that conclusively. Therefore, this variant has been classified as Likely Pathogenic. Loss-of-function variants in PHEX are known to be pathogenic (PMID: 9097956, 9106524, 19219621). This variant has not been reported in the literature in individuals with PHEX-related conditions. This variant is a deletion of the genomic region encompassing part of exon 15 (c.1627_1645+12del) of the PHEX gene. It is expected to disrupt RNA splicing and likely results in an absent or disrupted protein product.

Literature cited by the submitters: PubMed 9097956; PubMed 9106524; PubMed 19219621.

NM_000444.6(PHEX):c.1627_1645+12del

Gene: PHEX (phosphate regulating endopeptidase X-linked; plus strand). Cytogenetic location: Xp22.11.
Variant type: Deletion.
Coding change: c.1627_1645+12del on transcript NM_000444.6 (MANE Select); coding-DNA position 1627 through 12 bases into the intron after coding-DNA position 1645, 31 bases deleted.
Molecular consequence: splice donor variant.
Genome position (GRCh38, 1-based): chrX:22,190,484-22,190,514, 31 bases deleted; deleting any 31 consecutive bases within chrX:22,190,482-22,190,514 gives the same sequence; the c. name uses the placement nearest the transcript's 3' end. GRCh37 (hg19): chrX:22,208,601-22,208,631.
Other names: c.1627_1645+12del (NM_001282754.2).
Identifiers: ClinVar variation 934213 (VCV000934213.7), dbSNP rs1934164465, ClinGen allele CA1139667301.
Genomic context (GRCh38, chrX:22,190,481, plus strand): 5'-GGCATTTGTTTCTTTTTCTACAGGTGGTTTACAAATCCGACGACTGTCAATGCCTTCTAC[AGTGCATCCACCAACCAGATCCGTGAGTACGG>A]GTTCCTTGTCTCCTTGGTAACCTGGTATAAAATGCAAAGAACTTTTCCATGACTATGATG-3'